The following is an entry in ClinVar:

ClinVar aggregate classification (germline): Pathogenic. Review status: criteria provided, multiple submitters, no conflicts (2 of 4 stars). 7 submissions from 7 submitters: Pathogenic (7). Last evaluated 2026-09-08.

Conditions:
Fabry disease. Also called: Ceramide trihexosidosis; ALPHA-GALACTOSIDASE A DEFICIENCY; ANDERSON-FABRY DISEASE; CERAMIDE TRIHEXOSIDASE DEFICIENCY; GLA DEFICIENCY; HEREDITARY DYSTOPIC LIPIDOSIS. Identifiers: Orphanet 324, MedGen C0002986, MONDO:0010526, OMIM 301500, HP:0001071. Disease mechanism: Fabry disease is due to inactivating mutations in the X-linked GLA gene resulting in deficiency of the enzyme Alpha Galactosidase-A., loss of function.

Submissions (7):

Genomenon, Inc
Classification: Pathogenic for Fabry disease. Last evaluated: 2026-09-08. Review status: criteria provided, single submitter. Criteria: Genomenon Sequence Variant Interpretation Standards - Updated. Collection method: curation. Allele origin: germline. Affected: yes.
Comment: GLA p.Thr412SerfsTer21 (c.1235_1236del) is a frameshift variant that is predicted to introduce a premature termination codon and result in a truncated or absent protein product. This variant has been observed in at least one proband with clinical features consistent with Fabry disease (PMID:23818648;16595074;29770213;33204599;27334365;34441839). The variant was found to segregate with disease in at least one affected family (PMID:29770213;27334365;34441839;23818648). It is absent or not present at a significant frequency in gnomAD. In conclusion, we classify GLA p.Thr412SerfsTer21 (c.1235_1236del) as a pathogenic variant.

Labcorp Genetics (formerly Invitae), Labcorp
Classification: Pathogenic for Fabry disease. Last evaluated: 2024-04-01. Review status: criteria provided, single submitter. Criteria: Invitae Variant Classification Sherloc (09022015). Collection method: clinical testing. Allele origin: germline.
Comment: This sequence change results in a frameshift in the GLA gene (p.Thr412Serfs*). While this is not anticipated to result in nonsense mediated decay, it is expected to disrupt the last 18 amino acid(s) of the GLA protein and extend the protein by 19 additional amino acid residues. This variant is not present in population databases (gnomAD no frequency). This frameshift has been observed in individual(s) with Fabry disease (PMID: 1668641, 16595074, 20505683, 22551898, 23935525, 28728877, 30386727; Invitae). ClinVar contains an entry for this variant (Variation ID: 198402). For these reasons, this variant has been classified as Pathogenic.

Revvity Omics, Revvity
Classification: Pathogenic. Last evaluated: 2023-02-22. Review status: criteria provided, single submitter. Criteria: ACMG Guidelines, 2015. Collection method: clinical testing. Allele origin: germline.

Fulgent Genetics
Classification: Pathogenic for Fabry disease. Last evaluated: 2021-08-04. Review status: criteria provided, single submitter. Criteria: ACMG Guidelines, 2015. Collection method: clinical testing. Allele origin: unknown.

Genome-Nilou Lab
Classification: Pathogenic for Fabry disease. Last evaluated: 2021-07-15. Review status: criteria provided, single submitter. Criteria: ACMG Guidelines, 2015. Collection method: clinical testing. Allele origin: germline. Affected: no.

Women's Health and Genetics/Laboratory Corporation of America, LabCorp
Classification: Pathogenic for Fabry disease. Last evaluated: 2019-11-19. Review status: criteria provided, single submitter. Criteria: LabCorp Variant Classification Summary - May 2015. Collection method: clinical testing. Allele origin: germline.
Comment: Variant summary: GLA c.1235_1236delCT (p.Thr412SerfsX24+) causes a frameshift which results in an extension of the protein. The variant was absent in 183416 control chromosomes (gnomAD). c.1235_1236delCT has been reported in the literature in multiple individuals affected with Fabry Disease (Park_2009, Blaydon_2001, Juchniewicz_2018, McCloskey_2018). These data indicate that the variant is very likely to be associated with disease. A ClinVar submission (evaluation after 2014) cites the variant as pathogenic. Based on the evidence outlined above, the variant was classified as pathogenic.

Eurofins Ntd Llc (ga)
Classification: Pathogenic. Last evaluated: 2015-02-05. Review status: criteria provided, single submitter. Criteria: EGL Classification Definitions 2015. Collection method: clinical testing. Allele origin: germline. Observed: 6 variant alleles, 5 heterozygotes, 1 hemizygote.

Literature cited by the submitters: PubMed 23818648 (cited by Genomenon, Inc); PubMed 16595074 (cited by Genomenon, Inc and Labcorp Genetics (formerly Invitae), Labcorp); PubMed 29770213 (cited by Genomenon, Inc and Women's Health and Genetics/Laboratory Corporation of America, LabCorp); PubMed 33204599 (cited by Genomenon, Inc); PubMed 27334365 (cited by Genomenon, Inc); PubMed 34441839 (cited by Genomenon, Inc); PubMed 1668641 (cited by Labcorp Genetics (formerly Invitae), Labcorp); PubMed 20505683 (cited by Labcorp Genetics (formerly Invitae), Labcorp); PubMed 22551898 (cited by Labcorp Genetics (formerly Invitae), Labcorp); PubMed 23935525 (cited by Labcorp Genetics (formerly Invitae), Labcorp); PubMed 28728877 (cited by Labcorp Genetics (formerly Invitae), Labcorp); PubMed 30386727 (cited by Labcorp Genetics (formerly Invitae), Labcorp); PubMed 11668641 (cited by Women's Health and Genetics/Laboratory Corporation of America, LabCorp); PubMed 15712228 (cited by Women's Health and Genetics/Laboratory Corporation of America, LabCorp); PubMed 29079200 (cited by Women's Health and Genetics/Laboratory Corporation of America, LabCorp); PubMed 19287194 (cited by Women's Health and Genetics/Laboratory Corporation of America, LabCorp).

NM_000169.3(GLA):c.1235_1236del (p.Thr412fs)

Genes: GLA (galactosidase alpha; minus strand), RPL36A-HNRNPH2 (RPL36A-HNRNPH2 readthrough; plus strand). Cytogenetic location: Xq22.1.
Variant type: Deletion.
Coding change: c.1235_1236del on transcript NM_000169.3 (MANE Select); coding-DNA positions 1235 to 1236, 2 bases deleted (CT; older notation c.1235_1236delCT).
Protein change: p.Thr412fs; shifts the reading frame from threonine 412.
Molecular consequence: frameshift variant. On other transcripts: non-coding transcript variant (3), intron variant (2).
Genome position (GRCh38, 1-based): chrX:101,397,863-101,397,864, AG deleted on the plus strand (CT on the coding strand, the reverse complement: GLA is on the minus strand). VCF-style (leftmost placement, unchanged base first): chrX-101397862-CAG-C. GRCh37 (hg19) VCF-style: chrX-100652850-CAG-C.
Other names: c.1235_1236delCT, p.Thr412Serfs (NM_000169.2); c.1358_1359del, p.Thr453fs (NM_001406747.1); c.300+2406_300+2407del (NM_001199973.2); c.177+6041_177+6042del (NM_001199974.2); short protein forms T412fs, T453fs.
Identifiers: ClinVar variation 198402 (VCV000198402.22), dbSNP rs797044777, ClinGen allele CA021475.